The following is an entry in ClinVar:

NM_000531.6(OTC):c.1028C>G (p.Thr343Arg)

Gene: OTC (ornithine transcarbamylase; plus strand). Cytogenetic location: Xp11.4.
Variant type: single nucleotide variant.
Coding change: c.1028C>G on transcript NM_000531.6 (MANE Select); coding-DNA position 1028, C replaced by G.
Protein change: p.Thr343Arg; replaces threonine 343 with arginine.
Molecular consequence: missense variant.
Genome position (GRCh38, 1-based): chrX:38,421,045, C>G. VCF-style: chrX-38421045-C-G. GRCh37 (hg19) VCF-style: chrX-38280298-C-G.
Other names: short protein forms T343R.
Identifiers: ClinVar variation 859988 (VCV000859988.10), dbSNP rs72558491, ClinGen allele CA412728048.
Genomic context (GRCh38, chrX:38,421,045, plus strand): 5'-TGTTTATCCATTTCTTTCTTTCTTTGTTGTGTCATCAGGCTGTCATGGTGTCCCTGCTGA[C>G]AGATTACTCACCTCAGCTCCAGAAGCCTAAATTTTGATGTTGTGTTACTTGTCAAGAAAG-3'
Protein context (NP_000522.3, residues 333-353): TIMAVMVSLL[Thr343Arg]DYSPQLQKPK

ClinVar aggregate classification (germline): Likely pathogenic (1 of 4 stars; one submission).

Conditions:
Ornithine carbamoyltransferase deficiency (OTCD). Also called: ORNITHINE TRANSCARBAMYLASE DEFICIENCY; ORNITHINE TRANSCARBAMYLASE DEFICIENCY, HYPERAMMONEMIA DUE TO; OTC DEFICIENCY; Ornithine Carbamoyltransferase Deficiency Disease. Identifiers: Orphanet 664, MedGen C0268542, MONDO:0010703, OMIM 311250.

Submission:

Labcorp Genetics (formerly Invitae), Labcorp
Classification: Likely pathogenic for Ornithine carbamoyltransferase deficiency. Last evaluated: 2022-11-29. Review status: criteria provided, single submitter. Criteria: Invitae Variant Classification Sherloc (09022015). Collection method: clinical testing. Allele origin: germline.
Comment: In summary, the currently available evidence indicates that the variant is pathogenic, but additional data are needed to prove that conclusively. Therefore, this variant has been classified as Likely Pathogenic. This variant disrupts the p.Thr343 amino acid residue in OTC. Other variant(s) that disrupt this residue have been observed in individuals with OTC-related conditions (PMID: 8956038), which suggests that this may be a clinically significant amino acid residue. Advanced modeling of protein sequence and biophysical properties (such as structural, functional, and spatial information, amino acid conservation, physicochemical variation, residue mobility, and thermodynamic stability) performed at Invitae indicates that this missense variant is expected to disrupt OTC protein function. ClinVar contains an entry for this variant (Variation ID: 859988). This missense change has been observed in individuals with OTC-related conditions (PMID: 25433810; Invitae). This variant is not present in population databases (gnomAD no frequency). This sequence change replaces threonine, which is neutral and polar, with arginine, which is basic and polar, at codon 343 of the OTC protein (p.Thr343Arg).

Literature cited by the submitters: PubMed 8956038; PubMed 25433810.